The following is an entry in ClinVar:

NM_138713.4(NFAT5):c.458C>T (p.Thr153Ile)

Gene: NFAT5 (nuclear factor of activated T cells 5; plus strand). Cytogenetic location: 16q22.1.
Variant type: single nucleotide variant.
Coding change: c.458C>T on transcript NM_138713.4 (MANE Select); coding-DNA position 458, C replaced by T.
Protein change: p.Thr153Ile; replaces threonine 153 with isoleucine.
Molecular consequence: missense variant. On other transcripts: intron variant (1).
Genome position (GRCh38, 1-based): chr16:69,647,232, C>T. VCF-style: chr16-69647232-C-T. GRCh37 (hg19) VCF-style: chr16-69681135-C-T.
Other names: c.458C>T, p.Thr153Ile (NM_001113178.3); c.404C>T, p.Thr135Ile (NM_006599.4); c.176C>T, p.Thr59Ile (NM_138714.4, NM_173214.3, NM_173215.3); c.140+65C>T (NM_001367709.1); short protein forms T59I, T135I, T153I.
Identifiers: ClinVar variation 4746552 (VCV004746552.1).

ClinVar aggregate classification (germline): Uncertain significance (1 of 4 stars; one submission).

Conditions:
Immunodeficiency. Identifiers: MedGen C0021051, MONDO:0021094, HP:0002721.

gnomAD v4.1: 16 of 1,613,978 alleles (0.00099%); highest among the groups gnomAD compares: East Asian, 0.0089%; no homozygotes.

Submission:

Labcorp Genetics (formerly Invitae), Labcorp
Classification: Uncertain significance for Immunodeficiency. Last evaluated: 2025-07-13. Review status: criteria provided, single submitter. Criteria: Invitae Variant Classification Sherloc (09022015). Collection method: clinical testing. Allele origin: germline.
Comment: This sequence change replaces threonine, which is neutral and polar, with isoleucine, which is neutral and non-polar, at codon 59 of the NFAT5 protein (p.Thr59Ile). This variant is present in population databases (rs753289133, gnomAD 0.01%). This variant has not been reported in the literature in individuals affected with NFAT5-related conditions. An algorithm developed to predict the effect of missense changes on protein structure and function (PolyPhen-2) suggests that this variant is likely to be tolerated. In summary, the available evidence is currently insufficient to determine the role of this variant in disease. Therefore, it has been classified as a Variant of Uncertain Significance.